The following is an entry in ClinVar:

NM_000080.4(CHRNE):c.855CTT[1] (p.Phe286del)

Genes: C17orf107 (chromosome 17 open reading frame 107; plus strand), CHRNE (cholinergic receptor nicotinic epsilon subunit; minus strand). Cytogenetic location: 17p13.2.
Variant type: Microsatellite.
Coding change: c.855CTT[1] on transcript NM_000080.4 (MANE Select); one copy of the 3-base unit CTT starting at c.855; the reference has two copies in a row; one copy, 3 bases deleted; also written c.858_860del.
Protein change: p.Phe286del; deletes phenylalanine 286.
Molecular consequence: inframe deletion. On other transcripts: 3 prime UTR variant (1).
Genome position (GRCh38, 1-based): chr17:4,900,850-4,900,852, AAG deleted on the plus strand (CTT on the coding strand, the reverse complement: CHRNE is on the minus strand); deleting any 3 consecutive bases within chr17:4,900,850-4,900,856 gives the same sequence; the position shown is the placement nearest the transcript's 3' end. VCF-style (leftmost placement, unchanged base first): chr17-4900849-CAAG-C. GRCh37 (hg19) VCF-style: chr17-4804144-CAAG-C.
Other names: c.858_860del (NM_000080.4, NM_000080.3); c.*318AGA[1] (NM_001145536.2); short protein forms F286del.
Identifiers: ClinVar variation 2680783 (VCV002680783.3), dbSNP rs1178008902, ClinGen allele CA772686409.
Genomic context (GRCh38, chr17:4,900,849, plus strand): 5'-TCACCTGCCCAGGAGCGGCACGCTCAGAGAAGTCTCTGGGATTTTCTGGGCAATGAGGAA[CAAG>C]AAGACGGTCTGGGCGAGCAGGACGTTGATGGAGACCGTGCATTTCTGGCCGCCGGCTGGA-3'

ClinVar aggregate classification (germline): Conflicting classifications of pathogenicity. Review status: criteria provided, conflicting classifications (1 of 4 stars). 3 submissions from 3 submitters: Likely pathogenic (2); Uncertain significance (1). Last evaluated 2026-05-18.

Conditions:
Congenital myasthenic syndrome (CMS). Also called: Congenital Myasthenic Syndromes. Identifiers: Orphanet 590, MedGen C0751882, MeSH D020294, MONDO:0018940.
Congenital myasthenic syndrome 4A. Also called: CONGENITAL MYASTHENIC SYNDROME TYPE Ia1; Myasthenic syndrome, congenital, 4a, slow-channel; MYASTHENIC SYNDROME, CONGENITAL, 4A, SLOW-CHANNEL, AUTOSOMAL RECESSIVE. Identifiers: Orphanet 590, MedGen C4225413, MONDO:0011600, OMIM 605809.

Submissions (3):

Myriad Genetics, Inc.
Classification: Uncertain significance for Congenital myasthenic syndrome. Last evaluated: 2026-05-18. Review status: criteria provided, single submitter. Criteria: Myriad Autosomal Dominant, Autosomal Recessive and X-Linked Classification Criteria (2023). Collection method: clinical testing. Allele origin: unknown.
Comment: NM_000080.3(CHRNE):c.858_860delCTT(F286del) is a missense variant classified as a variant of uncertain significance in the context of congenital myasthenic syndrome, CHRNE-related. F286del has been observed in a case with relevant disease (PMID: 22382357). Relevant functional assessments of this variant are available in the literature (PMID: 22382357). F286del has not been observed in referenced population frequency databases. In summary, there is insufficient evidence to classify NM_000080.3(CHRNE):c.858_860delCTT(F286del) as pathogenic or benign. Please note: this variant was assessed in the context of healthy population screening.

Natera, Inc.
Classification: Likely pathogenic for Congenital myasthenic syndrome. Last evaluated: 2024-12-27. Review status: criteria provided, single submitter. Criteria: Natera Variant Classification Schema (03/2026). Collection method: clinical testing. Allele origin: germline.
Comment: The c.858_860del variant in CHRNE is an in-frame deletion predicted to remove phenylalanine at amino acid 286 while preserving the reading frame. This variant is rare in the general population with a frequency below the threshold expected for the associated phenotype(s). This variant has been observed in one or more individuals affected with the associated recessive disease, as either homozygous or compound heterozygous with a second variant (PMID: 22382357). This variant results in a change to the protein length while preserving reading frame, which may disrupt normal protein structure or function. Computational prediction algorithms indicate this variant is likely to affect gene or protein function. Given the available evidence, this variant is classified as Likely Pathogenic.

Baylor Genetics
Classification: Likely pathogenic for Congenital myasthenic syndrome 4A. Last evaluated: 2023-07-26. Review status: criteria provided, single submitter. Criteria: ACMG Guidelines, 2015. Collection method: clinical testing. Allele origin: unknown.

Literature cited by the submitters: PubMed 22382357 (cited by Myriad Genetics, Inc. and Natera, Inc.).